The following is an entry in ClinVar:

ClinVar aggregate classification (germline): Conflicting classifications of pathogenicity. Review status: criteria provided, conflicting classifications (1 of 4 stars). 3 submissions from 3 submitters: Likely pathogenic (1); Uncertain significance (2). Last evaluated 2026-09-01.

Conditions:
Adult hypophosphatasia. Identifiers: Orphanet 247676, Orphanet 436, MedGen C0268413, MONDO:1010154, OMIM 146300, MONDO:0007798.
Hypophosphatasia. Also called: Phosphoethanol-aminuria. Identifiers: Orphanet 436, MedGen C0020630, MeSH D007014, MONDO:0018570.

Submissions (3):

Genomenon, Inc
Classification: Likely pathogenic for Hypophosphatasia. Last evaluated: 2026-09-01. Review status: criteria provided, single submitter. Criteria: Genomenon Sequence Variant Interpretation Standards - Updated. Collection method: curation. Allele origin: germline. Affected: yes.
Comment: ALPL p.Ser98Phe (c.293C>T) is a missense variant that changes the amino acid at codon 98 from Serine to Phenylalanine. This variant has been observed in at least one proband affected with an ALPL-related disorder (PMID:41608645). It is absent or not present at a significant frequency in gnomAD. In silico models predict that this variant is possibly or probably damaging. In conclusion, we classify ALPL p.Ser98Phe (c.293C>T) as a likely pathogenic variant.

JKU Lab, Dept of Paediatrics, Johannes Kepler University
Classification: Uncertain significance for Hypophosphatasia. Last evaluated: 2026-02-12. Review status: criteria provided, single submitter. Criteria: ACMG Guidelines, 2015. Collection method: curation, in vitro. Allele origin: germline, not applicable. Functional consequence: decreased enzyme activity.
Comment: This missense variant is not present in GnomAD 4.1 and affects a highly conserved amino acid in the homodimeric interface. The variant is predicted to affect protein function (REVEL score: 0.915). Splice-prediction algorithms predict no effect on splicing. In vitro functional studies showed reduced ALP activity without a dominant negative effect. This variant has been reported in the literature in individuals affected by ALPL-related conditions (PMID:33937142;38884565). The results of the functional testing and the applied ACMG criteria can be viewed at an online resource

Genomic Medicine Center of Excellence, King Faisal Specialist Hospital and Research Centre
Classification: Uncertain significance for Adult hypophosphatasia. Last evaluated: 2024-03-25. Review status: criteria provided, single submitter. Criteria: ACMG Guidelines, 2015. Collection method: research. Allele origin: germline.

Literature cited by the submitters: PubMed 41608645 (cited by Genomenon, Inc); PubMed 33937142 (cited by JKU Lab, Dept of Paediatrics, Johannes Kepler University); PubMed 38884565 (cited by JKU Lab, Dept of Paediatrics, Johannes Kepler University).

NM_000478.6(ALPL):c.293C>T (p.Ser98Phe)

Gene: ALPL (alkaline phosphatase, biomineralization associated; plus strand). Cytogenetic location: 1p36.12.
Variant type: single nucleotide variant.
Coding change: c.293C>T on transcript NM_000478.6 (MANE Select); coding-DNA position 293, C replaced by T.
Protein change: p.Ser98Phe; replaces serine 98 with phenylalanine.
Molecular consequence: missense variant. On other transcripts: intron variant (1).
Genome position (GRCh38, 1-based): chr1:21,561,208, C>T. VCF-style: chr1-21561208-C-T. GRCh37 (hg19) VCF-style: chr1-21887701-C-T.
Other names: c.128C>T, p.Ser43Phe (NM_001127501.4); c.293C>T, p.Ser98Phe (NM_001369803.2, NM_001369804.2, NM_001369805.2); c.66+463C>T (NM_001177520.3); short protein forms S43F, S98F.
Identifiers: ClinVar variation 3064365 (VCV003064365.5), dbSNP rs2545292513, ClinGen allele CA338878256.